The following is an entry in ClinVar:

NM_052876.4(NACC1):c.1525G>T (p.Gly509Cys)

Gene: NACC1 (nucleus accumbens associated 1; plus strand). Cytogenetic location: 19p13.13.
Variant type: single nucleotide variant.
Coding change: c.1525G>T on transcript NM_052876.4 (MANE Select); coding-DNA position 1525, G replaced by T.
Protein change: p.Gly509Cys; replaces glycine 509 with cysteine.
Molecular consequence: missense variant.
Genome position (GRCh38, 1-based): chr19:13,138,347, G>T. VCF-style: chr19-13138347-G-T. GRCh37 (hg19) VCF-style: chr19-13249161-G-T.
Other names: short protein forms G509C.
Identifiers: ClinVar variation 1998495 (VCV001998495.4), dbSNP rs2513139766, ClinGen allele CA404330311.
Genomic context (GRCh38, chr19:13,138,347, plus strand): 5'-TACACCACCTTCATCAGTGAAACGGGCAAGATCGAGCCGGACATGATGGGTGTGGAGCAT[G>T]GCTTCGAGACCGCCAGCCACGAGGGCGAGGCGGGTCCCTCGGCTGAAGCCCTGCAGTAAC-3'
Protein context (NP_443108.1, residues 499-519): IEPDMMGVEH[Gly509Cys]FETASHEGEA

ClinVar aggregate classification (germline): Uncertain significance (1 of 4 stars; one submission).

Submission:

Labcorp Genetics (formerly Invitae), Labcorp
Classification: Uncertain significance. Last evaluated: 2022-05-25. Review status: criteria provided, single submitter. Criteria: Invitae Variant Classification Sherloc (09022015). Collection method: clinical testing. Allele origin: germline.
Comment: Algorithms developed to predict the effect of missense changes on protein structure and function are either unavailable or do not agree on the potential impact of this missense change (SIFT: "Deleterious"; PolyPhen-2: "Benign"; Align-GVGD: "Class C0"). In summary, the available evidence is currently insufficient to determine the role of this variant in disease. Therefore, it has been classified as a Variant of Uncertain Significance. This variant has not been reported in the literature in individuals affected with NACC1-related conditions. This variant is not present in population databases (gnomAD no frequency). This sequence change replaces glycine, which is neutral and non-polar, with cysteine, which is neutral and slightly polar, at codon 509 of the NACC1 protein (p.Gly509Cys).